The following is an entry in ClinVar:

NM_001003787.4(STRADA):c.748C>G (p.Gln250Glu)

Gene: STRADA (STE20 related adaptor alpha; minus strand). Cytogenetic location: 17q23.3.
Variant type: single nucleotide variant.
Coding change: c.748C>G on transcript NM_001003787.4 (MANE Select); coding-DNA position 748, C replaced by G.
Protein change: p.Gln250Glu; replaces glutamine 250 with glutamic acid.
Molecular consequence: missense variant.
Genome position (GRCh38, 1-based): chr17:63,707,252, G>C on the plus strand (C>G on the coding strand, the complement: STRADA is on the minus strand). VCF-style: chr17-63707252-G-C. GRCh37 (hg19) VCF-style: chr17-61784612-G-C.
Other names: c.637C>G, p.Gln213Glu (NM_001003786.3, NM_001363789.1, NM_153335.6); c.574C>G, p.Gln192Glu (NM_001003788.3, NM_001363790.1, NM_001363791.1); c.661C>G, p.Gln221Glu (NM_001165969.2, NM_001363787.1); c.616C>G, p.Gln206Glu (NM_001165970.2); c.724C>G, p.Gln242Glu (NM_001363786.1); c.748C>G, p.Gln250Glu (NM_001363788.1); short protein forms Q192E, Q242E, Q250E, Q206E, Q213E, Q221E.
Identifiers: ClinVar variation 1044766 (VCV001044766.10), dbSNP rs2036157759, ClinGen allele CA400591205.

ClinVar aggregate classification (germline): Uncertain significance (1 of 4 stars; one submission).

Conditions:
Polyhydramnios, megalencephaly, and symptomatic epilepsy (PMSE). Also called: PMSE SYNDROME. Identifiers: Orphanet 500533, MedGen C1970203, MONDO:0012611, OMIM 611087.

Allele frequency attached by ClinVar (database versions not stated): gnomAD exomes below 0.00001.
gnomAD v4.1: 1 of 1,614,158 alleles (0.000062%); highest among the groups gnomAD compares: African/African-American, 0.0013%; no homozygotes.

Submission:

Labcorp Genetics (formerly Invitae), Labcorp
Classification: Uncertain significance for Polyhydramnios, megalencephaly, and symptomatic epilepsy. Last evaluated: 2022-09-07. Review status: criteria provided, single submitter. Criteria: Invitae Variant Classification Sherloc (09022015). Collection method: clinical testing. Allele origin: germline.
Comment: This sequence change replaces glutamine, which is neutral and polar, with glutamic acid, which is acidic and polar, at codon 250 of the STRADA protein (p.Gln250Glu). This variant is not present in population databases (gnomAD no frequency). This variant has not been reported in the literature in individuals affected with STRADA-related conditions. ClinVar contains an entry for this variant (Variation ID: 1044766). Algorithms developed to predict the effect of missense changes on protein structure and function are either unavailable or do not agree on the potential impact of this missense change (SIFT: "Tolerated"; PolyPhen-2: "Probably Damaging"; Align-GVGD: "Class C0"). In summary, the available evidence is currently insufficient to determine the role of this variant in disease. Therefore, it has been classified as a Variant of Uncertain Significance.